The following is an entry in ClinVar:

NM_080473.5(GATA5):c.822C>G (p.His274Gln)

Gene: GATA5 (GATA binding protein 5; minus strand). Cytogenetic location: 20q13.33.
Variant type: single nucleotide variant.
Coding change: c.822C>G on transcript NM_080473.5 (MANE Select); coding-DNA position 822, C replaced by G.
Protein change: p.His274Gln; replaces histidine 274 with glutamine.
Molecular consequence: missense variant.
Genome position (GRCh38, 1-based): chr20:62,466,429, G>C on the plus strand (C>G on the coding strand, the complement: GATA5 is on the minus strand). VCF-style: chr20-62466429-G-C. GRCh37 (hg19) VCF-style: chr20-61041485-G-C.
Other names: short protein forms H274Q.
Identifiers: ClinVar variation 2005749 (VCV002005749.4), dbSNP rs782419620, ClinGen allele CA409553704.

ClinVar aggregate classification (germline): Uncertain significance (1 of 4 stars; one submission).

gnomAD v4.1: 3 of 1,584,896 alleles (0.00019%); highest among the groups gnomAD compares: Non-Finnish European, 0.00017%; no homozygotes.

Submission:

Labcorp Genetics (formerly Invitae), Labcorp
Classification: Uncertain significance. Last evaluated: 2022-06-13. Review status: criteria provided, single submitter. Criteria: Invitae Variant Classification Sherloc (09022015). Collection method: clinical testing. Allele origin: germline.
Comment: In summary, the available evidence is currently insufficient to determine the role of this variant in disease. Therefore, it has been classified as a Variant of Uncertain Significance. Algorithms developed to predict the effect of missense changes on protein structure and function are either unavailable or do not agree on the potential impact of this missense change (SIFT: "Deleterious"; PolyPhen-2: "Probably Damaging"; Align-GVGD: "Class C0"). This variant has not been reported in the literature in individuals affected with GATA5-related conditions. The frequency data for this variant in the population databases is considered unreliable, as metrics indicate poor data quality at this position in the gnomAD database. This sequence change replaces histidine, which is basic and polar, with glutamine, which is neutral and polar, at codon 274 of the GATA5 protein (p.His274Gln).